The following is an entry in ClinVar:

NM_016122.3(CEP83):c.835C>T (p.Arg279Cys)

Gene: CEP83 (centrosomal protein 83; minus strand). Cytogenetic location: 12q22.
Variant type: single nucleotide variant.
Coding change: c.835C>T on transcript NM_016122.3 (MANE Select); coding-DNA position 835, C replaced by T.
Protein change: p.Arg279Cys; replaces arginine 279 with cysteine.
Molecular consequence: missense variant. On other transcripts: non-coding transcript variant (2).
Genome position (GRCh38, 1-based): chr12:94,375,984, G>A on the plus strand (C>T on the coding strand, the complement: CEP83 is on the minus strand). VCF-style: chr12-94375984-G-A. GRCh37 (hg19) VCF-style: chr12-94769760-G-A.
Other names: p.Arg279Cys; c.835C>T, p.Arg279Cys (NM_001042399.2, NM_001346457.2, NM_001346460.2 and 3 more transcripts); c.523C>T, p.Arg175Cys (NM_001346458.2, NM_001346459.2, NM_001346462.2 and 2 more transcripts); c.610C>T, p.Arg204Cys (NM_001368041.1); c.298C>T, p.Arg100Cys (NM_001368042.1); short protein forms R100C, R175C, R279C, R204C.
Identifiers: ClinVar variation 772603 (VCV000772603.14), dbSNP rs79068264, ClinGen allele CA6721819.

ClinVar aggregate classification (germline): Likely benign. Review status: criteria provided, multiple submitters, no conflicts (2 of 4 stars). 5 submissions from 5 submitters: Likely benign (5). Last evaluated 2026-01-13.

Conditions:
Inborn genetic diseases. Identifiers: MedGen C0950123, MeSH D030342.
Nephronophthisis 18 (NPHP18). Identifiers: Orphanet 655, MedGen C3890591, MONDO:0014374, OMIM 615862.

Allele frequency attached by ClinVar (database versions not stated): ESP Exome Variant Server 0.00051; gnomAD exomes 0.00061; ExAC 0.00078; gnomAD 0.00217 and 0.00228; TOPMed 0.00236; 1000 Genomes Project 0.00379; 1000 Genomes Project 30x 0.00390.
gnomAD v4.1: 650 of 1,558,420 alleles (0.042%); highest among the groups gnomAD compares: African/African-American, 0.71%; 4 homozygotes.

Submissions (5):

Labcorp Genetics (formerly Invitae), Labcorp
Classification: Likely benign for Nephronophthisis 18. Last evaluated: 2026-01-13. Review status: criteria provided, single submitter. Criteria: Invitae Variant Classification Sherloc (09022015). Collection method: clinical testing. Allele origin: germline.

Ambry Genetics
Classification: Likely benign for Inborn genetic diseases. Last evaluated: 2025-08-09. Review status: criteria provided, single submitter. Criteria: Ambry Variant Classification Scheme 2023. Collection method: clinical testing. Allele origin: germline.

Mayo Clinic Laboratories, Mayo Clinic
Classification: Likely benign. Last evaluated: 2024-12-26. Review status: criteria provided, single submitter. Criteria: ACMG Guidelines, 2015. Collection method: clinical testing. Allele origin: germline. Observed: 2 variant alleles.
Comment: BS1, BP4

Blueprint Genetics
Classification: Likely benign. Last evaluated: 2024-11-14. Review status: criteria provided, single submitter. Criteria: ACMG Guidelines, 2015. Collection method: clinical testing. Allele origin: germline.

Breakthrough Genomics
Classification: Likely benign. Review status: criteria provided, single submitter. Criteria: ACMG Guidelines, 2015. Collection method: not provided. Allele origin: germline. Inheritance: Autosomal recessive inheritance. Affected: yes.